The following is an entry in ClinVar:

NM_000540.3(RYR1):c.1615T>G (p.Phe539Val)

Gene: RYR1 (ryanodine receptor 1; plus strand). Cytogenetic location: 19q13.2.
Variant type: single nucleotide variant.
Coding change: c.1615T>G on transcript NM_000540.3 (MANE Select); coding-DNA position 1615, T replaced by G.
Protein change: p.Phe539Val; replaces phenylalanine 539 with valine.
Molecular consequence: missense variant.
Genome position (GRCh38, 1-based): chr19:38,455,489, T>G. VCF-style: chr19-38455489-T-G. GRCh37 (hg19) VCF-style: chr19-38946129-T-G.
Other names: NM_000540.3:c.1615T>G; c.1615T>G, p.Phe539Val (NM_001042723.2); short protein forms F539V.
Identifiers: ClinVar variation 1210317 (VCV001210317.4), dbSNP rs193922769, ClinGen allele CA405689929.

ClinVar aggregate classification (germline): Likely pathogenic (3 of 4 stars; one submission).

Conditions:
Malignant hyperthermia of anesthesia. Also called: Anesthesic-triggered malignant hyperthermia. Identifiers: Orphanet 423, MedGen C0024591, MONDO:0018493, HP:0034733.

Submission:

ClinGen Malignant Hyperthermia Susceptibility Variant Curation Expert Panel, ClinGen
Classification: Likely pathogenic for Malignant hyperthermia of anesthesia. Last evaluated: 2025-08-01. Review status: reviewed by expert panel. Criteria: ClinGen MHS ACMG Specifications V2. Collection method: curation. Allele origin: germline. Inheritance: Autosomal dominant inheritance.
Comment: This pathogenicity assessment is relevant only for malignant hyperthermia susceptibility (MHS) inherited in an autosomal dominant pattern. Variants in RYR1 can also cause other myopathies inherited in an autosomal dominant pattern or in an autosomal recessive pattern. Some of these disorders may predispose individuals to malignant hyperthermia. RYR1 variants may also contribute to a malignant hyperthermia reaction in combination with other genetic and non-genetic factors and the clinician needs to consider such factors in making management decisions. This sequence variant predicts a substitution of phenylalanine with valine at codon 539 of the RYR1 protein, p.(Phe539Val). This variant was not present in a large population database (gnomAD) at the time this variant was interpreted. This variant has been reported in two unrelated individuals who have a personal or family history of a malignant hyperthermia reaction, both of these individuals had a positive in vitro contracture test (IVCT) or caffeine halothane contracture test (CHCT) result (if the proband was unavailable for testing, a positive diagnostic test result in a mutation-positive relative was counted), PS4_Moderate (PMID:30236257, The UK (Leeds) MH Unit). No functional studies were identified for this variant. Another variant assessed as likely pathogenic occurs at this codon, p.(Phe539Leu), PM5_Supporting. This variant resides in a region of RYR1 considered to be a hotspot for pathogenic variants that contribute to MHS, use PM1_Supporting to avoid overweighting with PM5 (PMID: 21118704). A REVEL score >0.85 (0.937) supports a pathogenic status for this variant, PP3_Moderate. This variant is assessed as a Likely Pathogenic. Criteria implemented: PS4_Moderate, PM1_Supporting, PM5_Supporting, PP3_Moderate.